The following is an entry in ClinVar:

ClinVar aggregate classification (germline): Uncertain significance. Review status: criteria provided, multiple submitters, no conflicts (2 of 4 stars). 2 submissions from 2 submitters: Uncertain significance (2). Last evaluated 2025-07-07.

Conditions:
Cardiomyopathy (CMYO). Also called: Cardiomyopathies. Identifiers: Orphanet 167848, MedGen C0878544, MONDO:0004994, HP:0001638. Inheritance: Various modes of inheritance.
Cardiovascular phenotype. Identifiers: MedGen CN230736.

Submissions (2):

Color Diagnostics, LLC DBA Color Health
Classification: Uncertain significance for Cardiomyopathy. Last evaluated: 2025-07-07. Review status: criteria provided, single submitter. Criteria: ACMG Guidelines, 2015. Collection method: clinical testing. Allele origin: germline.
Comment: This missense variant replaces isoleucine with serine at codon 159 of the MYL2 protein. Computational prediction suggests that this variant may have deleterious impact on protein structure and function. To our knowledge, functional studies have not been reported for this variant. This variant has not been reported in individuals affected with MYL2-related disorders in the literature. This variant has not been identified in the general population by the Genome Aggregation Database (gnomAD). The available evidence is insufficient to determine the role of this variant in disease conclusively. Therefore, this variant is classified as a Variant of Uncertain Significance.

Ambry Genetics
Classification: Uncertain significance for Cardiovascular phenotype. Last evaluated: 2022-03-21. Review status: criteria provided, single submitter. Criteria: Ambry Variant Classification Scheme 2023. Collection method: clinical testing. Allele origin: germline.

NM_000432.4(MYL2):c.476T>G (p.Ile159Ser)

Gene: MYL2 (myosin light chain 2; minus strand). Cytogenetic location: 12q24.11.
Variant type: single nucleotide variant.
Coding change: c.476T>G on transcript NM_000432.4 (MANE Select); coding-DNA position 476, T replaced by G.
Protein change: p.Ile159Ser; replaces isoleucine 159 with serine.
Molecular consequence: missense variant.
Genome position (GRCh38, 1-based): chr12:110,911,102, A>C on the plus strand (T>G on the coding strand, the complement: MYL2 is on the minus strand). VCF-style: chr12-110911102-A-C. GRCh37 (hg19) VCF-style: chr12-111348906-A-C.
Other names: c.434T>G, p.Ile145Ser (NM_001406745.1, NM_001406746.1); c.419T>G, p.Ile140Ser (NM_001406916.1); short protein forms I145S, I140S, I159S.
Identifiers: ClinVar variation 2279132 (VCV002279132.3), dbSNP rs1475634829, ClinGen allele CA386696730.
Genomic context (GRCh38, chr12:110,911,102, plus strand): 5'-AAAGACGAGCCCAGGGCGCAGCAGCGAGCCCCCTCCTAGTCCTTCTCTTCTCCGTGGGTG[A>C]TGATGTGCACCAGGTTCTTGTAGTCCAAGTTGCCAGTCACGTCAGGGGGGAAGGCGGCGA-3'
Protein context (NP_000423.2, residues 149-166): NLDYKNLVHI[Ile159Ser]THGEEKD